The following is an entry in ClinVar:

ClinVar aggregate classification (germline): Uncertain significance (1 of 4 stars; one submission).

Conditions:
Neuropathy, hereditary sensory and autonomic, type 2A (HSAN2A). Also called: ACROOSTEOLYSIS, GIACCAI TYPE; ACROOSTEOLYSIS, NEUROGENIC; MORVAN DISEASE; NEUROPATHY, CONGENITAL SENSORY; NEUROPATHY, HEREDITARY SENSORY RADICULAR, AUTOSOMAL RECESSIVE; NEUROPATHY, HEREDITARY SENSORY, TYPE IIA. Identifiers: Orphanet 970, MedGen C2752089, MONDO:0024309, OMIM 201300.
Generalized epilepsy with febrile seizures plus, type 7 (GEFSP7). Also called: GEFS+, TYPE 7. Identifiers: Orphanet 36387, MedGen C2751778, MONDO:0013470, OMIM 613863.

Submission:

Labcorp Genetics (formerly Invitae), Labcorp
Classification: Uncertain significance for Neuropathy, hereditary sensory and autonomic, type 2A; Generalized epilepsy with febrile seizures plus, type 7. Last evaluated: 2023-05-31. Review status: criteria provided, single submitter. Criteria: Invitae Variant Classification Sherloc (09022015). Collection method: clinical testing. Allele origin: germline.
Comment: This variant is not present in population databases (gnomAD no frequency). This sequence change replaces serine, which is neutral and polar, with phenylalanine, which is neutral and non-polar, at codon 1137 of the SCN9A protein (p.Ser1137Phe). This variant has not been reported in the literature in individuals affected with SCN9A-related conditions. In summary, the available evidence is currently insufficient to determine the role of this variant in disease. Therefore, it has been classified as a Variant of Uncertain Significance. Advanced modeling of protein sequence and biophysical properties (such as structural, functional, and spatial information, amino acid conservation, physicochemical variation, residue mobility, and thermodynamic stability) performed at Invitae indicates that this missense variant is not expected to disrupt SCN9A protein function.

NM_001365536.1(SCN9A):c.3443C>T (p.Ser1148Phe)

Genes: SCN9A (sodium voltage-gated channel alpha subunit 9; minus strand), SCN1A-AS1 (SCN1A and SCN9A antisense RNA 1; plus strand). Cytogenetic location: 2q24.3.
Variant type: single nucleotide variant.
Coding change: c.3443C>T on transcript NM_001365536.1 (MANE Select); coding-DNA position 3443, C replaced by T.
Protein change: p.Ser1148Phe; replaces serine 1148 with phenylalanine.
Molecular consequence: missense variant. On other transcripts: non-coding transcript variant (1).
Genome position (GRCh38, 1-based): chr2:166,251,794, G>A on the plus strand (C>T on the coding strand, the complement: SCN9A is on the minus strand). VCF-style: chr2-166251794-G-A. GRCh37 (hg19) VCF-style: chr2-167108304-G-A.
Other names: c.3410C>T, p.Ser1137Phe (NM_002977.4); short protein forms S1137F, S1148F.
Identifiers: ClinVar variation 2939686 (VCV002939686.3), dbSNP rs2467903950, ClinGen allele CA349071852.